The following is an entry in ClinVar:

ClinVar aggregate classification (germline): Uncertain significance (1 of 4 stars; one submission).

Allele frequency attached by ClinVar (database versions not stated): gnomAD 0.00001; TOPMed 0.00001; gnomAD exomes 0.00002.
gnomAD v4.1: 23 of 1,614,022 alleles (0.0014%); highest among the groups gnomAD compares: South Asian, 0.0066%; no homozygotes.

Submission:

Women's Health and Genetics/Laboratory Corporation of America, LabCorp
Classification: Uncertain significance. Last evaluated: 2023-07-17. Review status: criteria provided, single submitter. Criteria: LabCorp Variant Classification Summary - May 2015. Collection method: clinical testing. Allele origin: germline.
Comment: Variant summary: CRB1 c.1777G>A (p.Ala593Thr) results in a non-conservative amino acid change located in the Laminin G domain (IPR001791) of the encoded protein sequence. Four of five in-silico tools predict a benign effect of the variant on protein function. The variant allele was found at a frequency of 1.6e-05 in 251074 control chromosomes (gnomAD v2.1, Exomes dataset). The available data on variant occurrences in the general population are insufficient to allow any conclusion about variant significance. c.1777G>A has been reported in the literature in at least one compound heterozygous individual affected with Retinal Dystrophy (e.g., Yang_2016). These data do not allow any conclusion about variant significance. To our knowledge, no experimental evidence demonstrating an impact on protein function has been reported. The following publication was ascertained in the context of this evaluation (PMID: 27670293). No submitters have cited clinical-significance assessments for this variant to ClinVar after 2014. Based on the evidence outlined above, the variant was classified as uncertain significance.

Literature cited by the submitters: PubMed 27670293.

NM_201253.3(CRB1):c.1777G>A (p.Ala593Thr)

Gene: CRB1 (crumbs cell polarity complex component 1; plus strand). Cytogenetic location: 1q31.3.
Variant type: single nucleotide variant.
Coding change: c.1777G>A on transcript NM_201253.3 (MANE Select); coding-DNA position 1777, G replaced by A.
Protein change: p.Ala593Thr; replaces alanine 593 with threonine.
Molecular consequence: missense variant. On other transcripts: non-coding transcript variant (1).
Genome position (GRCh38, 1-based): chr1:197,421,605, G>A. VCF-style: chr1-197421605-G-A. GRCh37 (hg19) VCF-style: chr1-197390735-G-A.
Other names: c.1441G>A, p.Ala481Thr (NM_001193640.2); c.1570G>A, p.Ala524Thr (NM_001257965.2); c.1777G>A, p.Ala593Thr (NM_001257966.2); short protein forms A481T, A524T, A593T.
Identifiers: ClinVar variation 2577210 (VCV002577210.1), dbSNP rs754610149, ClinGen allele CA35893756.